The following is an entry in ClinVar:

ClinVar aggregate classification (germline): Likely benign. Review status: criteria provided, single submitter (1 of 4 stars). 3 submissions from 3 submitters: Likely benign (1). 2 of the submissions do not count toward it. Last evaluated 2025-06-29.

Conditions:
RAB23-related disorder. Also called: RAB23-related condition.
RAB23-related Carpenter syndrome. Also called: ACPS II; Carpenter syndrome 1. Identifiers: Orphanet 65759, MedGen C4551510, MONDO:0008710, OMIM 201000.
Carpenter syndrome. Identifiers: Orphanet 65759, MedGen C1275078, MONDO:0019012.

Allele frequency attached by ClinVar (database versions not stated): TOPMed 0.00004; ExAC 0.00005; gnomAD exomes 0.00005 and 0.00006; ESP Exome Variant Server 0.00015; gnomAD 0.00004.
gnomAD v4.1: 75 of 1,613,746 alleles (0.0046%); highest among the groups gnomAD compares: Non-Finnish European, 0.0059%; no homozygotes.

Submissions (3):

Labcorp Genetics (formerly Invitae), Labcorp
Classification: Likely benign for Carpenter syndrome. Last evaluated: 2025-06-29. Review status: criteria provided, single submitter. Criteria: Invitae Variant Classification Sherloc (09022015). Collection method: clinical testing. Allele origin: germline.

PreventionGenetics, part of Exact Sciences
Classification: Likely benign for RAB23-related condition. Last evaluated: 2023-12-19. Review status: no assertion criteria provided. Collection method: clinical testing. Allele origin: germline. Not counted in ClinVar's aggregate classification.
Comment: This variant is classified as likely benign based on ACMG/AMP sequence variant interpretation guidelines (Richards et al. 2015 PMID: 25741868, with internal and published modifications).

Natera, Inc.
Classification: Likely benign for Acrocephalopolysyndactyly type II. Last evaluated: 2020-09-16. Review status: no assertion criteria provided. Collection method: clinical testing. Allele origin: germline. Not counted in ClinVar's aggregate classification.

NM_016277.5(RAB23):c.255T>C (p.Cys85=)

Gene: RAB23 (RAB23, member RAS oncogene family; minus strand). Cytogenetic location: 6p12.1.
Variant type: single nucleotide variant.
Coding change: c.255T>C on transcript NM_016277.5 (MANE Select); coding-DNA position 255, T replaced by C.
Protein change: p.Cys85=; no amino-acid change (cysteine 85 retained).
Molecular consequence: synonymous variant.
Genome position (GRCh38, 1-based): chr6:57,196,593, A>G on the plus strand (T>C on the coding strand, the complement: RAB23 is on the minus strand). VCF-style: chr6-57196593-A-G. GRCh37 (hg19) VCF-style: chr6-57061391-A-G.
Other names: c.255T>C, p.Cys85= (NM_001278666.2, NM_001278667.2, NM_001278668.2 and 1 more transcripts).
Identifiers: ClinVar variation 728362 (VCV000728362.12), dbSNP rs374601145, ClinGen allele CA3873860.